The following is an entry in ClinVar:

ClinVar aggregate classification (germline): Uncertain significance (1 of 4 stars; one submission).

Conditions:
Infantile spasms. Also called: Infantile spasm. Identifiers: MedGen C3887898, HP:0012469.

Submission:

Labcorp Genetics (formerly Invitae), Labcorp
Classification: Uncertain significance for Infantile spasms. Last evaluated: 2020-09-09. Review status: criteria provided, single submitter. Criteria: Invitae Variant Classification Sherloc (09022015). Collection method: clinical testing. Allele origin: germline.
Comment: This variant has not been reported in the literature in individuals with PIK3AP1-related conditions. In summary, the available evidence is currently insufficient to determine the role of this variant in disease. Therefore, it has been classified as a Variant of Uncertain Significance. Algorithms developed to predict the effect of missense changes on protein structure and function are either unavailable or do not agree on the potential impact of this missense change (SIFT: "Tolerated"; PolyPhen-2: "Possibly Damaging"; Align-GVGD: "Class C0"). This variant is not present in population databases (ExAC no frequency). This sequence change replaces glutamic acid with glutamine at codon 227 of the PIK3AP1 protein (p.Glu227Gln). The glutamic acid residue is moderately conserved and there is a small physicochemical difference between glutamic acid and glutamine.

NM_152309.3(PIK3AP1):c.679G>C (p.Glu227Gln)

Gene: PIK3AP1 (phosphoinositide-3-kinase adaptor protein 1; minus strand). Cytogenetic location: 10q24.1.
Variant type: single nucleotide variant.
Coding change: c.679G>C on transcript NM_152309.3 (MANE Select); coding-DNA position 679, G replaced by C.
Protein change: p.Glu227Gln; replaces glutamic acid 227 with glutamine.
Molecular consequence: missense variant.
Genome position (GRCh38, 1-based): chr10:96,652,731, C>G on the plus strand (G>C on the coding strand, the complement: PIK3AP1 is on the minus strand). VCF-style: chr10-96652731-C-G. GRCh37 (hg19) VCF-style: chr10-98412488-C-G.
Other names: short protein forms E227Q.
Identifiers: ClinVar variation 857710 (VCV000857710.9), dbSNP rs1843557117, ClinGen allele CA377747655.